The following is an entry in ClinVar:

NM_000370.3(TTPA):c.26C>A (p.Ser9Ter)

Gene: TTPA (alpha tocopherol transfer protein; minus strand). Cytogenetic location: 8q12.3.
Variant type: single nucleotide variant.
Coding change: c.26C>A on transcript NM_000370.3 (MANE Select); coding-DNA position 26, C replaced by A.
Protein change: p.Ser9Ter; replaces serine 9 with a stop codon.
Molecular consequence: nonsense. On other transcripts: non-coding transcript variant (3).
Genome position (GRCh38, 1-based): chr8:63,085,996, G>T on the plus strand (C>A on the coding strand, the complement: TTPA is on the minus strand). VCF-style: chr8-63085996-G-T. GRCh37 (hg19) VCF-style: chr8-63998555-G-T.
Other names: c.26C>A, p.Ser9Ter (NM_001413414.1, NM_001413415.1, NM_001413416.1 and 2 more transcripts); short protein forms S9*.
Identifiers: ClinVar variation 2692644 (VCV002692644.4), dbSNP rs1805748326, ClinGen allele CA371403693.
Genomic context (GRCh38, chr8:63,085,996, plus strand): 5'-GCCAGGCCCGGCTGCAGCAACGGAGAGTGGTCCGGTAGCGCGTTGAGCTGCGGCCCCGCC[G>T]AGGGCTGGGATCGCGCCTCTGCCATGCCCGCCGCCGCTGCTGCGGCCGCAGCTACCCGGG-3'

ClinVar aggregate classification (germline): Pathogenic (1 of 4 stars; one submission).

Submission:

Labcorp Genetics (formerly Invitae), Labcorp
Classification: Pathogenic. Last evaluated: 2023-11-02. Review status: criteria provided, single submitter. Criteria: Invitae Variant Classification Sherloc (09022015). Collection method: clinical testing. Allele origin: germline.
Comment: This sequence change creates a premature translational stop signal (p.Ser9*) in the TTPA gene. It is expected to result in an absent or disrupted protein product. Loss-of-function variants in TTPA are known to be pathogenic (PMID: 9463307, 26068213). This variant is not present in population databases (gnomAD no frequency). This premature translational stop signal has been observed in individual(s) with TTPA-related conditions (PMID: 31069529). For these reasons, this variant has been classified as Pathogenic.

Literature cited by the submitters: PubMed 9463307; PubMed 26068213; PubMed 31069529.